The following is an entry in ClinVar:

ClinVar aggregate classification (germline): Uncertain significance (1 of 4 stars; one submission).

Allele frequency attached by ClinVar (database versions not stated): gnomAD exomes below 0.00001; TOPMed below 0.00001; gnomAD 0.00002.

Submission:

Labcorp Genetics (formerly Invitae), Labcorp
Classification: Uncertain significance. Last evaluated: 2021-09-02. Review status: criteria provided, single submitter. Criteria: Invitae Variant Classification Sherloc (09022015). Collection method: clinical testing. Allele origin: germline.
Comment: This sequence change falls in intron 35 of the COL18A1 gene. It does not directly change the encoded amino acid sequence of the COL18A1 protein. This variant is not present in population databases (ExAC no frequency). This variant has not been reported in the literature in individuals affected with COL18A1-related conditions. Experimental studies and prediction algorithms are not available or were not evaluated, and the effect of this variant on mRNA splicing is currently unknown. In summary, the available evidence is currently insufficient to determine the role of this variant in disease. Therefore, it has been classified as a Variant of Uncertain Significance.

NM_001379500.1(COL18A1):c.3013+10dup

Genes: COL18A1 (collagen type XVIII alpha 1 chain; plus strand), SLC19A1 (solute carrier family 19 member 1; minus strand). Cytogenetic location: 21q22.3.
Variant type: Duplication.
Coding change: c.3013+10dup on transcript NM_001379500.1 (MANE Select); 10 bases into the intron after coding-DNA position 3013, one base duplicated (T; older notation c.3013+10dupT).
Molecular consequence: intron variant.
Genome position (GRCh38, 1-based): chr21:45,505,288, T duplicated. VCF-style (leftmost placement, unchanged base first): chr21-45505287-G-GT. GRCh37 (hg19) VCF-style: chr21-46925201-G-GT.
Other names: c.4258+10dup (NM_130444.3); c.3553+10dup (NM_030582.4).
Identifiers: ClinVar variation 1471846 (VCV001471846.3), dbSNP rs1368195490, ClinGen allele CA749788399.
Genomic context (GRCh38, chr21:45,505,287, plus strand): 5'-GGCCCCCCAGGCCCCCCAGGGCCCCCTTCATTTCCTGGCCCTCACAGGCAGAGTAAGTCA[G>GT]TGGGGAGTGGGCCCCGGGCAGAGGCCGCCTCGTGTGGCTTCGTGTTCCCACCTTGGTTTC-3'